The following is an entry in ClinVar:

NM_000166.6(GJB1):c.184A>C (p.Ser62Arg)

Gene: GJB1 (gap junction protein beta 1; plus strand). Cytogenetic location: Xq13.1.
Variant type: single nucleotide variant.
Coding change: c.184A>C on transcript NM_000166.6 (MANE Select); coding-DNA position 184, A replaced by C.
Protein change: p.Ser62Arg; replaces serine 62 with arginine.
Molecular consequence: missense variant.
Genome position (GRCh38, 1-based): chrX:71,223,891, A>C. VCF-style: chrX-71223891-A-C. GRCh37 (hg19) VCF-style: chrX-70443741-A-C.
Other names: c.184A>C, p.Ser62Arg (NM_001097642.3); short protein forms S62R.
Identifiers: ClinVar variation 2016455 (VCV002016455.5), dbSNP rs2519797987, ClinGen allele CA413501331.
Genomic context (GRCh38, chrX:71,223,891, plus strand): 5'-AGTGTGTGGGGTGATGAGAAATCTTCCTTCATCTGCAACACACTCCAGCCTGGCTGCAAC[A>C]GCGTTTGCTATGACCAATTCTTCCCCATCTCCCATGTGCGGCTGTGGTCCCTGCAGCTCA-3'
Protein context (NP_000157.1, residues 52-72): ICNTLQPGCN[Ser62Arg]VCYDQFFPIS

ClinVar aggregate classification (germline): Pathogenic/Likely pathogenic. Review status: criteria provided, multiple submitters, no conflicts (2 of 4 stars). 2 submissions from 2 submitters: Pathogenic (1); Likely pathogenic (1). Last evaluated 2026-08-06.

Conditions:
Hereditary neuropathy or pain disorder.
Charcot-Marie-Tooth Neuropathy X. Identifiers: MedGen CN118851.

Submissions (2):

NHS Central & South Genomic Laboratory Hub
Classification: Likely pathogenic for Hereditary neuropathy or pain disorder. Last evaluated: 2026-08-06. Review status: criteria provided, single submitter. Criteria: ACMG Guidelines, 2015. Collection method: clinical testing. Allele origin: germline. Affected: yes.

Labcorp Genetics (formerly Invitae), Labcorp
Classification: Pathogenic for Charcot-Marie-Tooth Neuropathy X. Last evaluated: 2022-09-14. Review status: criteria provided, single submitter. Criteria: Invitae Variant Classification Sherloc (09022015). Collection method: clinical testing. Allele origin: germline.
Comment: For these reasons, this variant has been classified as Pathogenic. Advanced modeling of protein sequence and biophysical properties (such as structural, functional, and spatial information, amino acid conservation, physicochemical variation, residue mobility, and thermodynamic stability) performed at Invitae indicates that this missense variant is not expected to disrupt GJB1 protein function. This missense change has been observed in individual(s) with Charcot-Marie-Tooth disease (PMID: 20942588). It has also been observed to segregate with disease in related individuals. This variant is not present in population databases (gnomAD no frequency). This sequence change replaces serine, which is neutral and polar, with arginine, which is basic and polar, at codon 62 of the GJB1 protein (p.Ser62Arg).

Literature cited by the submitters: PubMed 20942588 (cited by Labcorp Genetics (formerly Invitae), Labcorp).